The following is an entry in ClinVar:

ClinVar aggregate classification (germline): Uncertain significance. Review status: criteria provided, multiple submitters, no conflicts (2 of 4 stars). 6 submissions from 6 submitters: Uncertain significance (6). Last evaluated 2025-10-07.

Conditions:
Lynch syndrome. Identifiers: Orphanet 144, MedGen C4552100, MONDO:0005835. Disease mechanism: loss of function.
Hereditary nonpolyposis colorectal neoplasms. Identifiers: MedGen C0009405, MeSH D003123.
Hereditary cancer-predisposing syndrome. Also called: Tumor predisposition; Hereditary Cancer Syndrome; Hereditary neoplastic syndrome; Neoplastic Syndromes, Hereditary. Identifiers: Orphanet 140162, MedGen C0027672, MeSH D009386, MONDO:0015356.

Allele frequency attached by ClinVar (database versions not stated): gnomAD 0.00001; TOPMed 0.00001.
gnomAD v4.1: 4 of 1,611,374 alleles (0.00025%); highest among the groups gnomAD compares: Admixed American, 0.0017%; no homozygotes.

Submissions (6):

Color Diagnostics, LLC DBA Color Health
Classification: Uncertain significance for Hereditary cancer-predisposing syndrome. Last evaluated: 2025-10-07. Review status: criteria provided, single submitter. Criteria: ACMG Guidelines, 2015. Collection method: clinical testing. Allele origin: germline.
Comment: This missense variant replaces leucine with arginine at codon 1036 of the MSH6 protein. Computational prediction suggests that this variant may have deleterious impact on protein structure and function. To our knowledge, functional studies have not been reported for this variant. This variant has been reported in an individual affected with colorectal cancer (PMID: 28135145). This variant has been identified in 4/1611374 chromosomes in the general population by the Genome Aggregation Database (gnomAD). The available evidence is insufficient to determine the role of this variant in disease conclusively. Therefore, this variant is classified as a Variant of Uncertain Significance.

Labcorp Genetics (formerly Invitae), Labcorp
Classification: Uncertain significance for Hereditary nonpolyposis colorectal neoplasms. Last evaluated: 2025-09-14. Review status: criteria provided, single submitter. Criteria: Invitae Variant Classification Sherloc (09022015). Collection method: clinical testing. Allele origin: germline.
Comment: This sequence change replaces leucine, which is neutral and non-polar, with arginine, which is basic and polar, at codon 1036 of the MSH6 protein (p.Leu1036Arg). This variant is not present in population databases (gnomAD no frequency). This missense change has been observed in individual(s) with colorectal cancer (PMID: 28135145). ClinVar contains an entry for this variant (Variation ID: 410507). Invitae Evidence Modeling of protein sequence and biophysical properties (such as structural, functional, and spatial information, amino acid conservation, physicochemical variation, residue mobility, and thermodynamic stability) has been performed for this missense variant. However, the output from this modeling did not meet the statistical confidence thresholds required to predict the impact of this variant on MSH6 protein function. In summary, the available evidence is currently insufficient to determine the role of this variant in disease. Therefore, it has been classified as a Variant of Uncertain Significance.

Mayo Clinic Laboratories, Mayo Clinic
Classification: Uncertain significance. Last evaluated: 2025-09-12. Review status: criteria provided, single submitter. Criteria: ACMG Guidelines, 2015. Collection method: clinical testing. Allele origin: germline. Observed: 1 variant allele.
Comment: PM2_supporting

All of Us Research Program, National Institutes of Health
Classification: Uncertain significance for Lynch syndrome. Last evaluated: 2024-06-07. Review status: criteria provided, single submitter. Criteria: ACMG Guidelines, 2015. Collection method: clinical testing. Allele origin: germline. Inheritance: Autosomal dominant inheritance. Observed: 3 variant alleles, 3 heterozygotes.
Comment: This missense variant replaces leucine with arginine at codon 1036 of the MSH6 protein. Computational prediction suggests that this variant may have deleterious impact on protein structure and function (internally defined REVEL score threshold >= 0.7, PMID: 27666373). To our knowledge, functional studies have not been reported for this variant. This variant has been reported in individuals affected with colorectal cancer (PMID: 28135145), however, one of these individuals also carried a pathogenic variant in MLH1 gene that could explain the observed phenotype. This variant has not been identified in the general population by the Genome Aggregation Database (gnomAD). The available evidence is insufficient to determine the role of this variant in disease conclusively. Therefore, this variant is classified as a Variant of Uncertain Significance.

This study involves interpretation of variants in research participants for the purpose of population health screening. Participant phenotype was not available at the time of variant classification. Additional details can be found in publication PMID: 35346344, PMCID: PMC8962531

Ambry Genetics
Classification: Uncertain significance for Hereditary cancer-predisposing syndrome. Last evaluated: 2024-05-03. Review status: criteria provided, single submitter. Criteria: Ambry Variant Classification Scheme 2023. Collection method: clinical testing. Allele origin: germline.
Comment: The p.L1036R variant (also known as c.3107T>G), located in coding exon 4 of the MSH6 gene, results from a T to G substitution at nucleotide position 3107. The leucine at codon 1036 is replaced by arginine, an amino acid with dissimilar properties. This variant was reported in multiple individuals affected with colorectal cancer (Yurgelun MB et al. J Clin Oncol, 2017 Apr;35:1086-1095). This amino acid position is well conserved in available vertebrate species. In addition, this alteration is predicted to be deleterious by in silico analysis. Based on the available evidence, the clinical significance of this variant remains unclear.

GeneDx
Classification: Uncertain significance. Last evaluated: 2023-02-15. Review status: criteria provided, single submitter. Criteria: GeneDx Variant Classification Process June 2021. Collection method: clinical testing. Allele origin: germline. Affected: yes.
Comment: Not observed at significant frequency in large population cohorts (gnomAD); In silico analysis supports that this missense variant has a deleterious effect on protein structure/function; Observed in individuals diagnosed with colon cancer, one of which also was found to have a pathogenic MLH1 variant (Yurgelun et al., 2017); This variant is associated with the following publications: (PMID: 17531815, 21120944, 28135145)

Literature cited by the submitters: PubMed 28135145 (cited by 5 submitters).

NM_000179.3(MSH6):c.3107T>G (p.Leu1036Arg)

Gene: MSH6 (mutS homolog 6; plus strand). Cytogenetic location: 2p16.3.
Variant type: single nucleotide variant.
Coding change: c.3107T>G on transcript NM_000179.3 (MANE Select); coding-DNA position 3107, T replaced by G.
Protein change: p.Leu1036Arg; replaces leucine 1036 with arginine.
Molecular consequence: missense variant.
Genome position (GRCh38, 1-based): chr2:47,801,090, T>G. VCF-style: chr2-47801090-T-G. GRCh37 (hg19) VCF-style: chr2-48028229-T-G.
Other names: p.Leu1036Arg; c.2717T>G, p.Leu906Arg (NM_001281492.2); c.2201T>G, p.Leu734Arg (NM_001281493.2, NM_001281494.2); short protein forms L1036R, L734R, L906R.
Identifiers: ClinVar variation 410507 (VCV000410507.15), dbSNP rs748211741, ClinGen allele CA16610949.